The following is an entry in ClinVar:

ClinVar aggregate classification (germline): Uncertain significance (1 of 4 stars; one submission).

Conditions:
Familial cancer of breast. Also called: hereditary breast carcinoma; BREAST CANCER, FAMILIAL; Hereditary breast cancer. Identifiers: Orphanet 227535, MedGen C0346153, MONDO:0016419, OMIM 114480. Disease mechanism: loss of function.
Fanconi anemia complementation group J. Also called: BRIP1-Related Fanconi Anemia. Identifiers: Orphanet 84, MedGen C1836860, MONDO:0012187, OMIM 609054.

Submission:

Labcorp Genetics (formerly Invitae), Labcorp
Classification: Uncertain significance for Familial cancer of breast; Fanconi anemia complementation group J. Last evaluated: 2023-07-14. Review status: criteria provided, single submitter. Criteria: Invitae Variant Classification Sherloc (09022015). Collection method: clinical testing. Allele origin: germline.
Comment: An algorithm developed to predict the effect of missense changes on protein structure and function (PolyPhen-2) suggests that this variant is likely to be tolerated. In summary, the available evidence is currently insufficient to determine the role of this variant in disease. Therefore, it has been classified as a Variant of Uncertain Significance. ClinVar contains an entry for this variant (Variation ID: 938629). This variant has not been reported in the literature in individuals affected with BRIP1-related conditions. This variant is not present in population databases (gnomAD no frequency). This sequence change replaces phenylalanine, which is neutral and non-polar, with valine, which is neutral and non-polar, at codon 973 of the BRIP1 protein (p.Phe973Val).

NM_032043.3(BRIP1):c.2917T>G (p.Phe973Val)

Gene: BRIP1 (BRCA1 interacting DNA helicase 1; minus strand). Cytogenetic location: 17q23.2.
Variant type: single nucleotide variant.
Coding change: c.2917T>G on transcript NM_032043.3 (MANE Select); coding-DNA position 2917, T replaced by G.
Protein change: p.Phe973Val; replaces phenylalanine 973 with valine.
Molecular consequence: missense variant.
Genome position (GRCh38, 1-based): chr17:61,684,129, A>C on the plus strand (T>G on the coding strand, the complement: BRIP1 is on the minus strand). VCF-style: chr17-61684129-A-C. GRCh37 (hg19) VCF-style: chr17-59761490-A-C.
Other names: short protein forms F973V.
Identifiers: ClinVar variation 938629 (VCV000938629.10), dbSNP rs1060501727, ClinGen allele CA400480749.